The following is an entry in ClinVar:

NM_000548.5(TSC2):c.4990-7C>T

Genes: PKD1 (polycystin 1, transient receptor potential channel interacting; minus strand), TSC2 (TSC complex subunit 2; plus strand). Cytogenetic location: 16p13.3.
Variant type: single nucleotide variant.
Coding change: c.4990-7C>T on transcript NM_000548.5 (MANE Select); 7 bases into the intron before coding-DNA position 4990, C replaced by T.
Molecular consequence: intron variant.
Genome position (GRCh38, 1-based): chr16:2,087,856, C>T. VCF-style: chr16-2087856-C-T. GRCh37 (hg19) VCF-style: chr16-2137857-C-T.
Other names: p.?; c.4921-7C>T (NM_001114382.3); c.4861-7C>T (NM_021055.3, NM_001370405.1); c.4792-7C>T (NM_001363528.2); c.4858-7C>T (NM_001370404.1); c.4789-7C>T (NM_001077183.3); c.4681-7C>T (NM_001318827.2); c.4258-7C>T (NM_001318831.2); and 3 more.
Identifiers: ClinVar variation 49477 (VCV000049477.45), dbSNP rs45457095, ClinGen allele CA021480.
Genomic context (GRCh38, chr16:2,087,856, plus strand): 5'-GCAGTAGCCGAGATCAGCCTTCAGCACACGCTGTGTGCGGGGATGACCCTTTCTCTTGTC[C>T]GGGCAGGGCCAGTTCAACTTTGTCCACGTGATCGTCACCCCGCTGGACTACGAGTGCAAC-3'

ClinVar aggregate classification (germline): Benign/Likely benign. Review status: criteria provided, multiple submitters, no conflicts (2 of 4 stars). 21 submissions from 20 submitters: Benign (17); Likely benign (1). 3 of the submissions do not count toward it. Last evaluated 2026-02-04.

Conditions:
Tuberous sclerosis syndrome (TSC). Also called: Tuberous Sclerosis Complex; Tuberous sclerosis. Identifiers: Orphanet 805, MedGen C0041341, MONDO:0001734.
Polycystic kidney disease, adult type (PKD1). Also called: POLYCYSTIC KIDNEY DISEASE 1 WITH OR WITHOUT POLYCYSTIC LIVER DISEASE; POLYCYSTIC KIDNEY DISEASE, ADULT, TYPE I; Polycystic Kidney, Autosomal Dominant; Polycystic Kidney Disease 1, Autosomal Dominant; Polycystic kidney disease 1; Polycystic kidney disease 1, severe. Identifiers: MedGen C3149841, MONDO:0008263, OMIM 173900.
Tuberous sclerosis 2 (TSC2). Identifiers: Orphanet 805, MedGen C1860707, MONDO:0013199, OMIM 613254.

Allele frequency attached by ClinVar (database versions not stated): 1000 Genomes Project 30x 0.00812; gnomAD 0.00820 and 0.00888; 1000 Genomes Project 0.00879; ESP Exome Variant Server 0.00986; TOPMed 0.00949.
gnomAD v4.1: 2,793 of 1,612,596 alleles (0.17%); highest among the groups gnomAD compares: African/African-American, 2.7%; 25 homozygotes.

Submissions (21):

Labcorp Genetics (formerly Invitae), Labcorp
Classification: Benign for Tuberous sclerosis 2. Last evaluated: 2026-02-04. Review status: criteria provided, single submitter. Criteria: Invitae Variant Classification Sherloc (09022015). Collection method: clinical testing. Allele origin: germline.

Mayo Clinic Laboratories, Mayo Clinic
Classification: Benign. Last evaluated: 2025-09-04. Review status: criteria provided, single submitter. Criteria: ACMG Guidelines, 2015. Collection method: clinical testing. Allele origin: germline. Observed: 10 variant alleles.
Comment: BA1, BP4, BP7

Myriad Genetics, Inc.
Classification: Benign for Tuberous sclerosis 2. Last evaluated: 2025-06-05. Review status: criteria provided, single submitter. Criteria: Myriad Autosomal Dominant, Autosomal Recessive and X-Linked Classification Criteria (2023). Collection method: clinical testing. Allele origin: unknown.
Comment: This variant is considered benign. This variant is intronic and is not expected to impact mRNA splicing. This variant has been observed at a population frequency that is significantly greater than expected given the associated disease prevalence and penetrance.

ARUP Laboratories, Molecular Genetics and Genomics, ARUP Laboratories
Classification: Benign. Last evaluated: 2025-05-15. Review status: criteria provided, single submitter. Criteria: ARUP Molecular Germline Variant Investigation Process 2024. Collection method: clinical testing. Allele origin: germline.

KCCC/NGS Laboratory, Kuwait Cancer Control Center
Classification: Benign for Polycystic kidney disease, adult type. Last evaluated: 2025-02-01. Review status: criteria provided, single submitter. Criteria: ACMG Guidelines, 2015. Collection method: clinical testing. Allele origin: germline. Affected: no.

Blueprint Genetics
Classification: Likely benign. Last evaluated: 2024-11-11. Review status: criteria provided, single submitter. Criteria: ACMG Guidelines, 2015. Collection method: clinical testing. Allele origin: germline.

KCCC/NGS Laboratory, Kuwait Cancer Control Center
Classification: Benign for Tuberous sclerosis 2. Last evaluated: 2023-07-07. Review status: criteria provided, single submitter. Criteria: ACMG Guidelines, 2015. Collection method: clinical testing. Allele origin: germline. Affected: yes.

Color Diagnostics, LLC DBA Color Health
Classification: Benign for Tuberous sclerosis syndrome. Last evaluated: 2022-09-30. Review status: criteria provided, single submitter. Criteria: ACMG Guidelines, 2015. Collection method: clinical testing. Allele origin: germline.

Women's Health and Genetics/Laboratory Corporation of America, LabCorp
Classification: Benign. Last evaluated: 2022-05-06. Review status: criteria provided, single submitter. Criteria: LabCorp Variant Classification Summary - May 2015. Collection method: clinical testing. Allele origin: germline.

Quest Diagnostics Nichols Institute San Juan Capistrano
Classification: Benign. Last evaluated: 2022-03-11. Review status: criteria provided, single submitter. Criteria: Quest Diagnostics criteria. Collection method: clinical testing. Allele origin: unknown.

Department of Pathology and Laboratory Medicine, Sinai Health System
Classification: Benign for tuberous sclerosis. Last evaluated: 2022-01-31. Review status: criteria provided, single submitter. Criteria: ACMG Guidelines, 2015. Collection method: clinical testing. Allele origin: germline. Affected: yes.

Genome-Nilou Lab
Classification: Benign for Tuberous sclerosis 2. Last evaluated: 2021-11-07. Review status: criteria provided, single submitter. Criteria: ACMG Guidelines, 2015. Collection method: clinical testing. Allele origin: germline. Affected: no.

Illumina Laboratory Services, Illumina
Classification: Benign for Tuberous sclerosis syndrome. Last evaluated: 2018-01-12. Review status: criteria provided, single submitter. Criteria: ICSL Variant Classification Criteria 13 December 2019. Collection method: clinical testing. Allele origin: germline.
Comment: This variant was observed in the ICSL laboratory as part of a predisposition screen in an ostensibly healthy population. It had not been previously curated by ICSL or reported in the Human Gene Mutation Database (HGMD: prior to June 1st, 2018), and was therefore a candidate for classification through an automated scoring system. Utilizing variant allele frequency, disease prevalence and penetrance estimates, and inheritance mode, an automated score was calculated to assess if this variant is too frequent to cause the disease. Based on the score and internal cut-off values, a variant classified as benign is not then subjected to further curation. The score for this variant resulted in a classification of benign for this disease.

Athena Diagnostics
Classification: Benign. Last evaluated: 2017-10-25. Review status: criteria provided, single submitter. Criteria: Athena Diagnostics Criteria. Collection method: clinical testing. Allele origin: germline.

Laboratory for Molecular Medicine, Mass General Brigham Personalized Medicine
Classification: Benign. Last evaluated: 2013-02-21. Review status: criteria provided, single submitter. Criteria: LMM Criteria. Collection method: clinical testing. Allele origin: germline. Observed: 1 variant allele.
Comment: 4990-7C>T in intron 38 of TSC2: This variant is not expected to have clinical si gnificance because it has been identified in 2.8% (122/4392) of African American chromosomes from a broad population by the NHLBI Exome Sequencing Project (dbSNP rs45457095).

GeneDx
Classification: Benign. Last evaluated: 2012-09-25. Review status: criteria provided, single submitter. Criteria: GeneDx Variant Classification (06012015). Collection method: clinical testing. Allele origin: germline. Affected: yes.
Comment: This variant is considered likely benign or benign based on one or more of the following criteria: it is a conservative change, it occurs at a poorly conserved position in the protein, it is predicted to be benign by multiple in silico algorithms, and/or has population frequency not consistent with disease.

Breakthrough Genomics
Classification: Benign. Review status: criteria provided, single submitter. Criteria: ACMG Guidelines, 2015. Collection method: not provided. Allele origin: germline. Inheritance: Autosomal dominant inheritance. Affected: yes.

PreventionGenetics, part of Exact Sciences
Classification: Benign. Review status: criteria provided, single submitter. Criteria: ACMG Guidelines, 2015. Collection method: clinical testing. Allele origin: germline.

Clinical Genetics, Academic Medical Center
Classification: Benign. Review status: no assertion criteria provided. Collection method: clinical testing. Allele origin: germline. Affected: yes. Study: VKGL Data-share Consensus. Not counted in ClinVar's aggregate classification.

Laboratory of Diagnostic Genome Analysis, Leiden University Medical Center (LUMC)
Classification: Likely benign. Review status: no assertion criteria provided. Collection method: clinical testing. Allele origin: germline. Affected: yes. Study: VKGL Data-share Consensus. Not counted in ClinVar's aggregate classification.

Tuberous sclerosis database (TSC2)
No classification provided. Condition: TSC. Review status: no classification provided. Criteria: Tuberous Sclerosis Database Assertion Criteria 2015. Collection method: curation. Allele origin: germline. Affected: yes. Not counted in ClinVar's aggregate classification.

Literature cited by the submitters: PubMed 17304050 (cited by Quest Diagnostics Nichols Institute San Juan Capistrano and Athena Diagnostics).